The following is an entry in ClinVar:

NM_213599.3(ANO5):c.1201T>G (p.Trp401Gly)

Gene: ANO5 (anoctamin 5; plus strand). Cytogenetic location: 11p14.3.
Variant type: single nucleotide variant.
Coding change: c.1201T>G on transcript NM_213599.3 (MANE Select); coding-DNA position 1201, T replaced by G.
Protein change: p.Trp401Gly; replaces tryptophan 401 with glycine.
Molecular consequence: missense variant.
Genome position (GRCh38, 1-based): chr11:22,255,391, T>G. VCF-style: chr11-22255391-T-G. GRCh37 (hg19) VCF-style: chr11-22276937-T-G.
Other names: c.1156T>G, p.Trp386Gly (NM_001410964.1); c.1198T>G, p.Trp400Gly (NM_001142649.2); c.1159T>G, p.Trp387Gly (NM_001410963.1); short protein forms W386G, W387G, W400G, W401G.
Identifiers: ClinVar variation 1709768 (VCV001709768.2), dbSNP rs149656183, ClinGen allele CA379921394.

ClinVar aggregate classification (germline): Uncertain significance (1 of 4 stars; one submission).

Conditions:
Autosomal recessive limb-girdle muscular dystrophy type 2L (LGMDR12). Also called: Limb-girdle muscular dystrophy, type 2L; MUSCULAR DYSTROPHY, LIMB-GIRDLE, AUTOSOMAL RECESSIVE 12; Limb-Girdle Muscular Dystrophy R12 Anoctamin-5-Related (LGMD-R12). Identifiers: Orphanet 206549, MedGen C1969785, MONDO:0012652, OMIM 611307.

Submission:

MGZ Medical Genetics Center
Classification: Uncertain significance for Autosomal recessive limb-girdle muscular dystrophy type 2L. Last evaluated: 2022-08-25. Review status: criteria provided, single submitter. Criteria: ACMG Guidelines, 2015. Collection method: clinical testing. Allele origin: germline. Affected: yes. Observed: 1 variant allele.
Comment: ACMG criteria applied: PM2_SUP, PP3